The following is an entry in ClinVar:

NM_000318.3(PEX2):c.92A>C (p.Gln31Pro)

Gene: PEX2 (peroxisomal biogenesis factor 2; minus strand). Cytogenetic location: 8q21.13.
Variant type: single nucleotide variant.
Coding change: c.92A>C on transcript NM_000318.3 (MANE Select); coding-DNA position 92, A replaced by C.
Protein change: p.Gln31Pro; replaces glutamine 31 with proline.
Molecular consequence: missense variant.
Genome position (GRCh38, 1-based): chr8:76,984,087, T>G on the plus strand (A>C on the coding strand, the complement: PEX2 is on the minus strand). VCF-style: chr8-76984087-T-G. GRCh37 (hg19) VCF-style: chr8-77896323-T-G.
Other names: c.92A>C (NM_000318.2); c.92A>C, p.Gln31Pro (NM_001079867.2, NM_001172086.2, NM_001172087.2); short protein forms Q31P.
Identifiers: ClinVar variation 1047633 (VCV001047633.7), dbSNP rs1806931527, ClinGen allele CA371558113.
Genomic context (GRCh38, chr8:76,984,087, plus strand): 5'-CGAGCTAACAGCCCAGGTTTAAATCCATGAAAGCACTGAGTAAACTGGGACCAAACTAGC[T>G]GCTCCAGGGCCTTGTTTAGTTCAAGTGCATCCAACTGGCTTATTCTTAGCACTCTGTTTG-3'
Protein context (NP_000309.2, residues 21-41): DALELNKALE[Gln31Pro]LVWSQFTQCF

ClinVar aggregate classification (germline): Uncertain significance. Review status: criteria provided, multiple submitters, no conflicts (2 of 4 stars). 2 submissions from 2 submitters: Uncertain significance (2). Last evaluated 2025-03-28.

Conditions:
PEX2-related disorder. Also called: PEX2-related condition.
Peroxisome biogenesis disorder 5A (Zellweger) (PBD5A). Identifiers: Orphanet 912, MedGen C3553940, MONDO:0013932, OMIM 614866.

Submissions (2):

PreventionGenetics, part of Exact Sciences
Classification: Uncertain significance for PEX2-related condition. Last evaluated: 2025-03-28. Review status: criteria provided, single submitter. Criteria: ACMG Guidelines, 2015. Collection method: clinical testing. Allele origin: germline.
Comment: The PEX2 c.92A>C variant is predicted to result in the amino acid substitution p.Gln31Pro. To our knowledge, this variant has not been reported in the literature or in a large population database (gnomAD), indicating this variant is rare. At this time, the clinical significance of this variant is uncertain due to the absence of conclusive functional and genetic evidence.

Labcorp Genetics (formerly Invitae), Labcorp
Classification: Uncertain significance for Peroxisome biogenesis disorder 5A (Zellweger). Last evaluated: 2022-02-04. Review status: criteria provided, single submitter. Criteria: Invitae Variant Classification Sherloc (09022015). Collection method: clinical testing. Allele origin: germline.
Comment: This sequence change replaces glutamine, which is neutral and polar, with proline, which is neutral and non-polar, at codon 31 of the PEX2 protein (p.Gln31Pro). This variant is not present in population databases (gnomAD no frequency). This variant has not been reported in the literature in individuals affected with PEX2-related conditions. ClinVar contains an entry for this variant (Variation ID: 1047633). Algorithms developed to predict the effect of missense changes on protein structure and function are either unavailable or do not agree on the potential impact of this missense change (SIFT: "Tolerated"; PolyPhen-2: "Possibly Damaging"; Align-GVGD: "Class C0"). In summary, the available evidence is currently insufficient to determine the role of this variant in disease. Therefore, it has been classified as a Variant of Uncertain Significance.